The following is an entry in ClinVar:

ClinVar aggregate classification (germline): Uncertain significance (1 of 4 stars; one submission).

Allele frequency attached by ClinVar (database versions not stated): TOPMed 0.00003.
gnomAD v4.1: 4 of 1,553,906 alleles (0.00026%); highest among the groups gnomAD compares: Non-Finnish European, 0.00017%; no homozygotes.

Submission:

Labcorp Genetics (formerly Invitae), Labcorp
Classification: Uncertain significance. Last evaluated: 2024-06-13. Review status: criteria provided, single submitter. Criteria: Invitae Variant Classification Sherloc (09022015). Collection method: clinical testing. Allele origin: germline.
Comment: This sequence change replaces glycine, which is neutral and non-polar, with arginine, which is basic and polar, at codon 473 of the COL10A1 protein (p.Gly473Arg). This variant is present in population databases (no rsID available, gnomAD 0.001%). This variant has not been reported in the literature in individuals affected with COL10A1-related conditions. ClinVar contains an entry for this variant (Variation ID: 1522184). Advanced modeling of protein sequence and biophysical properties (such as structural, functional, and spatial information, amino acid conservation, physicochemical variation, residue mobility, and thermodynamic stability) performed at Invitae indicates that this missense variant is expected to disrupt COL10A1 protein function with a positive predictive value of 80%. In summary, the available evidence is currently insufficient to determine the role of this variant in disease. Therefore, it has been classified as a Variant of Uncertain Significance.

NM_000493.4(COL10A1):c.1417G>C (p.Gly473Arg)

Genes: COL10A1 (collagen type X alpha 1 chain; minus strand), NT5DC1 (5'-nucleotidase domain containing 1; plus strand). Cytogenetic location: 6q22.1.
Variant type: single nucleotide variant.
Coding change: c.1417G>C on transcript NM_000493.4 (MANE Select); coding-DNA position 1417, G replaced by C.
Protein change: p.Gly473Arg; replaces glycine 473 with arginine.
Molecular consequence: missense variant. On other transcripts: intron variant (1).
Genome position (GRCh38, 1-based): chr6:116,120,699, C>G on the plus strand (G>C on the coding strand, the complement: COL10A1 is on the minus strand). VCF-style: chr6-116120699-C-G. GRCh37 (hg19) VCF-style: chr6-116441862-C-G.
Other names: c.1417G>C, p.Gly473Arg (NM_001424106.1, NM_001424107.1); c.529+2754C>G (NM_152729.3); short protein forms G473R.
Identifiers: ClinVar variation 1522184 (VCV001522184.8), dbSNP rs754588076, ClinGen allele CA145908891.